The following is an entry in ClinVar:

NM_007255.3(B4GALT7):c.790C>T (p.Arg264Trp)

Gene: B4GALT7 (beta-1,4-galactosyltransferase 7; plus strand). Cytogenetic location: 5q35.3.
Variant type: single nucleotide variant.
Coding change: c.790C>T on transcript NM_007255.3 (MANE Select); coding-DNA position 790, C replaced by T.
Protein change: p.Arg264Trp; replaces arginine 264 with tryptophan.
Molecular consequence: missense variant.
Genome position (GRCh38, 1-based): chr5:177,608,976, C>T. VCF-style: chr5-177608976-C-T. GRCh37 (hg19) VCF-style: chr5-177035977-C-T.
Other names: short protein forms R264W.
Identifiers: ClinVar variation 451637 (VCV000451637.4), dbSNP rs779147014, ClinGen allele CA3586686.

ClinVar aggregate classification (germline): Uncertain significance. Review status: criteria provided, multiple submitters, no conflicts (2 of 4 stars). 2 submissions from 2 submitters: Uncertain significance (2). Last evaluated 2024-06-10.

Conditions:
Inborn genetic diseases. Identifiers: MedGen C0950123, MeSH D030342.

Allele frequency attached by ClinVar (database versions not stated): ExAC 0.00002; gnomAD exomes 0.00003; gnomAD 0.00005 and 0.00006; TOPMed 0.00005.

Submissions (2):

Ambry Genetics
Classification: Uncertain significance for Inborn genetic diseases. Last evaluated: 2024-06-10. Review status: criteria provided, single submitter. Criteria: Ambry Variant Classification Scheme 2023. Collection method: clinical testing. Allele origin: germline.

GeneDx
Classification: Uncertain significance. Last evaluated: 2024-05-14. Review status: criteria provided, single submitter. Criteria: GeneDx Variant Classification Process June 2021. Collection method: clinical testing. Allele origin: germline. Affected: yes.
Comment: Not observed at significant frequency in large population cohorts (gnomAD); In silico analysis supports that this missense variant has a deleterious effect on protein structure/function; Has not been previously published as pathogenic or benign to our knowledge